The following is an entry in ClinVar:

ClinVar aggregate classification (germline): Likely benign. Review status: criteria provided, multiple submitters, no conflicts (2 of 4 stars). 3 submissions from 3 submitters: Likely benign (3). Last evaluated 2025-11-10.

Conditions:
NPHP1-related disorder. Also called: NPHP1-related condition; NPHP1-related disorders.
Nephronophthisis. Also called: Juvenile Nephronophthisis. Identifiers: Orphanet 655, MedGen C0687120, MONDO:0019005, HP:0000090.

Allele frequency attached by ClinVar (database versions not stated): TOPMed 0.00002; ExAC 0.00003; gnomAD 0.00003; gnomAD exomes 0.00004.
gnomAD v4.1: 65 of 1,613,606 alleles (0.004%); highest among the groups gnomAD compares: Non-Finnish European, 0.0052%; no homozygotes.

Submissions (3):

PreventionGenetics, part of Exact Sciences
Classification: Likely benign for NPHP1-related condition. Last evaluated: 2025-11-10. Review status: criteria provided, single submitter. Criteria: ACMG Guidelines, 2015. Collection method: clinical testing. Allele origin: germline.
Comment: This variant is classified as likely benign based on ACMG/AMP sequence variant interpretation guidelines (Richards et al. 2015 PMID: 25741868, with internal and published modifications).

Labcorp Genetics (formerly Invitae), Labcorp
Classification: Likely benign for Nephronophthisis. Last evaluated: 2025-06-19. Review status: criteria provided, single submitter. Criteria: Invitae Variant Classification Sherloc (09022015). Collection method: clinical testing. Allele origin: germline.

Blueprint Genetics
Classification: Likely benign. Last evaluated: 2023-10-27. Review status: criteria provided, single submitter. Criteria: ACMG Guidelines, 2015. Collection method: clinical testing. Allele origin: germline.

NM_001128178.3(NPHP1):c.477T>G (p.Ala159=)

Gene: NPHP1 (nephrocystin 1; minus strand). Cytogenetic location: 2q13.
Variant type: single nucleotide variant.
Coding change: c.477T>G on transcript NM_001128178.3 (MANE Select); coding-DNA position 477, T replaced by G.
Protein change: p.Ala159=; no amino-acid change (alanine 159 retained).
Molecular consequence: synonymous variant.
Genome position (GRCh38, 1-based): chr2:110,169,851, A>C on the plus strand (T>G on the coding strand, the complement: NPHP1 is on the minus strand). VCF-style: chr2-110169851-A-C. GRCh37 (hg19) VCF-style: chr2-110927428-A-C.
Other names: c.477T>G (NM_000272.3); c.477T>G, p.Ala159= (NM_000272.5, NM_001374256.1, NM_001374257.1 and 1 more transcripts); c.291T>G, p.Ala97= (NM_001128179.3).
Identifiers: ClinVar variation 2139946 (VCV002139946.6), dbSNP rs776444944, ClinGen allele CA1827385.